The following is an entry in ClinVar:

ClinVar aggregate classification (germline): Uncertain significance. Review status: criteria provided, multiple submitters, no conflicts (2 of 4 stars). 3 submissions from 3 submitters: Uncertain significance (3). Last evaluated 2025-10-22.

Conditions:
Hereditary cancer-predisposing syndrome. Also called: Neoplastic Syndromes, Hereditary; Tumor predisposition; Hereditary Cancer Syndrome; Hereditary neoplastic syndrome. Identifiers: Orphanet 140162, MedGen C0027672, MeSH D009386, MONDO:0015356.
Familial cancer of breast. Also called: Hereditary breast cancer; BREAST CANCER, FAMILIAL; hereditary breast carcinoma. Identifiers: Orphanet 227535, MedGen C0346153, MONDO:0016419, OMIM 114480. Disease mechanism: loss of function.

Allele frequency attached by ClinVar (database versions not stated): gnomAD below 0.00001 and 0.00001; gnomAD exomes 0.00001; TOPMed 0.00001; 1000 Genomes Project 30x 0.00031.
gnomAD v4.1: 11 of 1,583,762 alleles (0.00069%); highest among the groups gnomAD compares: South Asian, 0.012%; no homozygotes.

Submissions (3):

Ambry Genetics
Classification: Uncertain significance for Hereditary cancer-predisposing syndrome. Last evaluated: 2025-10-22. Review status: criteria provided, single submitter. Criteria: Ambry Variant Classification Scheme 2023. Collection method: clinical testing. Allele origin: germline.

KCCC/NGS Laboratory, Kuwait Cancer Control Center
Classification: Uncertain significance for Familial cancer of breast. Last evaluated: 2024-07-31. Review status: criteria provided, single submitter. Criteria: ACMG Guidelines, 2015. Collection method: clinical testing. Allele origin: germline. Inheritance: Autosomal dominant inheritance. Affected: yes. Observed: 1 heterozygote.
Comment: This sequence change replaces tryptophan, which is neutral and slightly polar, with arginine, which is basic and polar, at codon 1017 of the RAD50 protein (p.Trp1017Arg). This amino acid position is highly conserved ( PhyloP=6.9). This variant is present in population databases (no rsID available, gnomAD 0.01%). This variant has not been reported in the literature in individuals affected with RAD50-related conditions. ClinVar contains an entry for this variant (Variation ID: 527369). In addition, the in silico prediction for this alteration is inconclusive. In summary, the available evidence is currently insufficient to determine the role of this variant in disease. Therefore, it has been classified as a Variant of Uncertain Significance.

Labcorp Genetics (formerly Invitae), Labcorp
Classification: Uncertain significance for Hereditary cancer-predisposing syndrome. Last evaluated: 2023-10-27. Review status: criteria provided, single submitter. Criteria: Invitae Variant Classification Sherloc (09022015). Collection method: clinical testing. Allele origin: germline.
Comment: This sequence change replaces tryptophan, which is neutral and slightly polar, with arginine, which is basic and polar, at codon 1017 of the RAD50 protein (p.Trp1017Arg). This variant is present in population databases (no rsID available, gnomAD 0.01%). This variant has not been reported in the literature in individuals affected with RAD50-related conditions. ClinVar contains an entry for this variant (Variation ID: 527369). Advanced modeling of protein sequence and biophysical properties (such as structural, functional, and spatial information, amino acid conservation, physicochemical variation, residue mobility, and thermodynamic stability) performed at Invitae indicates that this missense variant is not expected to disrupt RAD50 protein function with a negative predictive value of 80%. In summary, the available evidence is currently insufficient to determine the role of this variant in disease. Therefore, it has been classified as a Variant of Uncertain Significance.

NM_005732.4(RAD50):c.3049T>C (p.Trp1017Arg)

Gene: RAD50 (RAD50 double strand break repair protein; plus strand). Cytogenetic location: 5q31.1.
Variant type: single nucleotide variant.
Coding change: c.3049T>C on transcript NM_005732.4 (MANE Select); coding-DNA position 3049, T replaced by C.
Protein change: p.Trp1017Arg; replaces tryptophan 1017 with arginine.
Molecular consequence: missense variant.
Genome position (GRCh38, 1-based): chr5:132,616,015, T>C. VCF-style: chr5-132616015-T-C. GRCh37 (hg19) VCF-style: chr5-131951707-T-C.
Other names: short protein forms W1017R.
Identifiers: ClinVar variation 527369 (VCV000527369.16), dbSNP rs878997089, ClinGen allele CA127264144.